The following is an entry in ClinVar:

ClinVar aggregate classification (germline): Uncertain significance (1 of 4 stars; one submission).

Conditions:
Gastrointestinal stromal tumor. Also called: Gastrointestinal stromal tumor, somatic; Gastrointestinal stroma tumor. Identifiers: Orphanet 44890, MedGen C0238198, MeSH D046152, MONDO:0011719, OMIM 606764, HP:0100723.

Submission:

Labcorp Genetics (formerly Invitae), Labcorp
Classification: Uncertain significance for Gastrointestinal stromal tumor. Last evaluated: 2024-02-15. Review status: criteria provided, single submitter. Criteria: Invitae Variant Classification Sherloc (09022015). Collection method: clinical testing. Allele origin: germline.
Comment: This sequence change replaces phenylalanine, which is neutral and non-polar, with leucine, which is neutral and non-polar, at codon 238 of the PDGFRA protein (p.Phe238Leu). This variant is not present in population databases (gnomAD no frequency). This variant has not been reported in the literature in individuals affected with PDGFRA-related conditions. Advanced modeling of protein sequence and biophysical properties (such as structural, functional, and spatial information, amino acid conservation, physicochemical variation, residue mobility, and thermodynamic stability) performed at Invitae indicates that this missense variant is not expected to disrupt PDGFRA protein function with a negative predictive value of 80%. In summary, the available evidence is currently insufficient to determine the role of this variant in disease. Therefore, it has been classified as a Variant of Uncertain Significance.

NM_006206.6(PDGFRA):c.714T>G (p.Phe238Leu)

Gene: PDGFRA (platelet derived growth factor receptor alpha; plus strand). Cytogenetic location: 4q12.
Variant type: single nucleotide variant.
Coding change: c.714T>G on transcript NM_006206.6 (MANE Select); coding-DNA position 714, T replaced by G.
Protein change: p.Phe238Leu; replaces phenylalanine 238 with leucine.
Molecular consequence: missense variant.
Genome position (GRCh38, 1-based): chr4:54,265,004, T>G. VCF-style: chr4-54265004-T-G. GRCh37 (hg19) VCF-style: chr4-55131171-T-G.
Other names: c.714T>G, p.Phe238Leu (NM_001347827.2, NM_001347829.2); c.789T>G, p.Phe263Leu (NM_001347828.2); c.753T>G, p.Phe251Leu (NM_001347830.2); short protein forms F251L, F238L, F263L.
Identifiers: ClinVar variation 3641069 (VCV003641069.2).